The following is an entry in ClinVar:

ClinVar aggregate classification (germline): Uncertain significance (1 of 4 stars; one submission).

Submission:

Labcorp Genetics (formerly Invitae), Labcorp
Classification: Uncertain significance. Last evaluated: 2022-02-22. Review status: criteria provided, single submitter. Criteria: Invitae Variant Classification Sherloc (09022015). Collection method: clinical testing. Allele origin: germline.
Comment: This variant is a gross deletion of the genomic region encompassing exon(s) 10-11 of the LAMC3 gene. This variant would be expected to be in-frame, preserving the integrity of the reading frame. This variant has not been reported in the literature in individuals affected with LAMC3-related conditions. Experimental studies and prediction algorithms are not available or were not evaluated, and the functional significance of this variant is currently unknown. In summary, the available evidence is currently insufficient to determine the role of this variant in disease. Therefore, it has been classified as a Variant of Uncertain Significance.

NC_000009.11:g.(?_133927858)_(133928372_?)del

Gene: LAMC3 (laminin subunit gamma 3; plus strand). Cytogenetic location: 9q34.12.
Variant type: Deletion.
Identifiers: ClinVar variation 2425483 (VCV002425483.3).